The following is an entry in ClinVar:

ClinVar aggregate classification (germline): Pathogenic. Review status: criteria provided, multiple submitters, no conflicts (2 of 4 stars). 2 submissions from 2 submitters: Pathogenic (2). Last evaluated 2025-07-16.

Conditions:
Familial cancer of breast. Also called: BREAST CANCER, FAMILIAL; Hereditary breast cancer; hereditary breast carcinoma. Identifiers: Orphanet 227535, MedGen C0346153, MONDO:0016419, OMIM 114480. Disease mechanism: loss of function.
Hereditary cancer-predisposing syndrome. Also called: Hereditary neoplastic syndrome; Neoplastic Syndromes, Hereditary; Hereditary Cancer Syndrome; Tumor predisposition. Identifiers: Orphanet 140162, MedGen C0027672, MeSH D009386, MONDO:0015356.

Allele frequency attached by ClinVar (database versions not stated): gnomAD exomes below 0.00001.

Submissions (2):

Labcorp Genetics (formerly Invitae), Labcorp
Classification: Pathogenic for Familial cancer of breast. Last evaluated: 2025-07-16. Review status: criteria provided, single submitter. Criteria: Invitae Variant Classification Sherloc (09022015). Collection method: clinical testing. Allele origin: germline.
Comment: This sequence change creates a premature translational stop signal (p.Tyr327Leufs*14) in the CHEK2 gene. It is expected to result in an absent or disrupted protein product. Loss-of-function variants in CHEK2 are known to be pathogenic (PMID: 21876083, 24713400). This variant is not present in population databases (gnomAD no frequency). This variant has not been reported in the literature in individuals affected with CHEK2-related conditions. ClinVar contains an entry for this variant (Variation ID: 530043). For these reasons, this variant has been classified as Pathogenic.

Ambry Genetics
Classification: Pathogenic for Hereditary cancer-predisposing syndrome. Last evaluated: 2024-09-14. Review status: criteria provided, single submitter. Criteria: Ambry Variant Classification Scheme 2023. Collection method: clinical testing. Allele origin: germline.
Comment: The c.979dupT pathogenic mutation, located in coding exon 8 of the CHEK2 gene, results from a duplication of T at nucleotide position 979, causing a translational frameshift with a predicted alternate stop codon (p.Y327Lfs*14). This variant is considered to be rare based on population cohorts in the Genome Aggregation Database (gnomAD). This alteration is expected to result in loss of function by premature protein truncation or nonsense-mediated mRNA decay. As such, this alteration is interpreted as a disease-causing mutation.

Literature cited by the submitters: PubMed 21876083 (cited by Labcorp Genetics (formerly Invitae), Labcorp); PubMed 24713400 (cited by Labcorp Genetics (formerly Invitae), Labcorp).

NM_007194.4(CHEK2):c.979dup (p.Tyr327fs)

Gene: CHEK2 (checkpoint kinase 2; minus strand). Cytogenetic location: 22q12.1.
Variant type: Duplication.
Coding change: c.979dup on transcript NM_007194.4 (MANE Select); coding-DNA position 979, one base duplicated (T; older notation c.979dupT).
Protein change: p.Tyr327fs; shifts the reading frame from tyrosine 327.
Molecular consequence: frameshift variant.
Genome position (GRCh38, 1-based): chr22:28,699,867, A duplicated on the plus strand (T on the coding strand, the reverse complement: CHEK2 is on the minus strand). VCF-style (leftmost placement, unchanged base first): chr22-28699866-T-TA. GRCh37 (hg19) VCF-style: chr22-29095854-T-TA.
Other names: c.1108dup, p.Tyr370Leufs (NM_001005735.3); c.316dup, p.Tyr106Leufs (NM_001257387.3); c.778dup, p.Tyr260Leufs (NM_001349956.3); c.979dup, p.Tyr327Leufs (NM_145862.3); c.979dupT (NM_007194.3); short protein forms Y260fs, Y327fs, Y106fs, Y370fs.
Identifiers: ClinVar variation 530043 (VCV000530043.8), dbSNP rs1555915392, ClinGen allele CA658799511.